The following is an entry in ClinVar:

NM_006648.4(WNK2):c.5824C>T (p.Pro1942Ser)

Gene: WNK2 (WNK lysine deficient protein kinase 2; plus strand). Cytogenetic location: 9q22.31.
Variant type: single nucleotide variant.
Coding change: c.5824C>T on transcript NM_006648.4 (MANE Select); coding-DNA position 5824, C replaced by T.
Protein change: p.Pro1942Ser; replaces proline 1942 with serine.
Molecular consequence: missense variant.
Genome position (GRCh38, 1-based): chr9:93,297,968, C>T. VCF-style: chr9-93297968-C-T. GRCh37 (hg19) VCF-style: chr9-96060250-C-T.
Other names: c.5935C>T, p.Pro1979Ser (NM_001282394.3); short protein forms P1942S, P1979S.
Identifiers: ClinVar variation 3816525 (VCV003816525.1).
Genomic context (GRCh38, chr9:93,297,968, plus strand): 5'-CTGTACCGCCGCCTGGGCAAGCCACTGCCCCCCAACGTGGGCTTCTTCCACACGGCACCC[C>T]CCACTGGCCGCCGGAGAAAAACCAGCAAGAGCAAGCTGAAGGCAGGCAAGCTGCTAAATC-3'
Protein context (NP_006639.3, residues 1932-1952): PNVGFFHTAP[Pro1942Ser]TGRRRKTSKS

ClinVar aggregate classification (germline): Uncertain significance (1 of 4 stars; one submission).

gnomAD v4.1: 16 of 1,573,208 alleles (0.001%); highest among the groups gnomAD compares: Non-Finnish European, 0.0012%; no homozygotes.

Submission:

Ambry Genetics
Classification: Uncertain significance. Last evaluated: 2024-12-17. Review status: criteria provided, single submitter. Criteria: Ambry Variant Classification Scheme 2023. Collection method: clinical testing. Allele origin: germline.
Comment: The p.P1942S variant (also known as c.5824C>T), located in coding exon 23 of the WNK2 gene, results from a C to T substitution at nucleotide position 5824. The proline at codon 1942 is replaced by serine, an amino acid with similar properties. This amino acid position is conserved. In addition, the in silico prediction for this alteration is inconclusive. Based on the available evidence, the clinical significance of this variant remains unclear.